The following is an entry in ClinVar:

NM_005120.3(MED12):c.5748+16G>T

Gene: MED12 (mediator complex subunit 12; plus strand). Cytogenetic location: Xq13.1.
Variant type: single nucleotide variant.
Coding change: c.5748+16G>T on transcript NM_005120.3 (MANE Select); 16 bases into the intron after coding-DNA position 5748, G replaced by T.
Molecular consequence: intron variant.
Genome position (GRCh38, 1-based): chrX:71,137,399, G>T. VCF-style: chrX-71137399-G-T. GRCh37 (hg19) VCF-style: chrX-70357249-G-T.
Identifiers: ClinVar variation 213616 (VCV000213616.15), dbSNP rs199760183, ClinGen allele CA322527.

ClinVar aggregate classification (germline): Benign/Likely benign. Review status: criteria provided, multiple submitters, no conflicts (2 of 4 stars). 7 submissions from 7 submitters: Benign (4); Likely benign (1). 2 of the submissions do not count toward it. Last evaluated 2026-02-03.

Conditions:
FG syndrome (FGS). Identifiers: MedGen C0220769, MONDO:0002010.
Intellectual disability. Also called: Intellectual functioning disability; Intellectual developmental disorder; intellectual disabilities. Identifiers: MedGen C3714756, MeSH D008607, MONDO:0001071, HP:0001249.

Allele frequency attached by ClinVar (database versions not stated): 1000 Genomes Project 0.00026; 1000 Genomes Project 30x 0.00042; TOPMed 0.00068; ESP Exome Variant Server 0.00082; gnomAD exomes 0.00097 and 0.00099; gnomAD 0.00116 and 0.00122; ExAC 0.00132.
gnomAD v4.1: 1,192 of 1,206,626 alleles (0.099%); highest among the groups gnomAD compares: Middle Eastern, 0.12%; 2 homozygotes.

Submissions (7):

Labcorp Genetics (formerly Invitae), Labcorp
Classification: Benign for FG syndrome. Last evaluated: 2026-02-03. Review status: criteria provided, single submitter. Criteria: Invitae Variant Classification Sherloc (09022015). Collection method: clinical testing. Allele origin: germline.

Laboratory of Genetics, Children's Clinical University Hospital Latvia
Classification: Benign. Last evaluated: 2025-02-16. Review status: criteria provided, single submitter. Criteria: ACMG Guidelines, 2015. Collection method: clinical testing. Allele origin: germline. Affected: yes.

Blueprint Genetics
Classification: Likely benign. Last evaluated: 2024-11-26. Review status: criteria provided, single submitter. Criteria: ACMG Guidelines, 2015. Collection method: clinical testing. Allele origin: germline.

Cambridge Genomics Laboratory, East Genomic Laboratory Hub, NHS Genomic Medicine Service
Classification: Benign for Intellectual disability. Last evaluated: 2019-09-17. Review status: criteria provided, single submitter. Criteria: ACGS Best Practice Guidelines for Variant Classification in Rare Disease 2020. Collection method: clinical testing. Allele origin: germline. Affected: yes. Observed: 1 variant allele.

GeneDx
Classification: Benign. Last evaluated: 2014-10-01. Review status: criteria provided, single submitter. Criteria: GeneDx Variant Classification (06012015). Collection method: clinical testing. Allele origin: germline. Affected: yes.
Comment: This variant is considered likely benign or benign based on one or more of the following criteria: it is a conservative change, it occurs at a poorly conserved position in the protein, it is predicted to be benign by multiple in silico algorithms, and/or has population frequency not consistent with disease.

Genome Diagnostics Laboratory, University Medical Center Utrecht
Classification: Likely benign. Review status: no assertion criteria provided. Collection method: clinical testing. Allele origin: germline. Affected: yes. Study: VKGL Data-share Consensus. Not counted in ClinVar's aggregate classification.

Joint Genome Diagnostic Labs from Nijmegen and Maastricht, Radboudumc and MUMC+
Classification: Likely benign. Review status: no assertion criteria provided. Collection method: clinical testing. Allele origin: germline. Affected: yes. Study: VKGL Data-share Consensus. Not counted in ClinVar's aggregate classification.